The following is an entry in ClinVar:

NM_002185.5(IL7R):c.82+101A>G

Gene: IL7R (interleukin 7 receptor; plus strand). Cytogenetic location: 5p13.2.
Variant type: single nucleotide variant.
Coding change: c.82+101A>G on transcript NM_002185.5 (MANE Select); 101 bases into the intron after coding-DNA position 82, A replaced by G.
Molecular consequence: intron variant.
Genome position (GRCh38, 1-based): chr5:35,857,160, A>G. VCF-style: chr5-35857160-A-G. GRCh37 (hg19) VCF-style: chr5-35857262-A-G.
Identifiers: ClinVar variation 1262774 (VCV001262774.5), dbSNP rs1353250, ClinGen allele CA15377306.

ClinVar aggregate classification (germline): Benign. Review status: criteria provided, multiple submitters, no conflicts (2 of 4 stars). 3 submissions from 3 submitters: Benign (3). Last evaluated 2024-01-24.

Allele frequency attached by ClinVar (database versions not stated): 1000 Genomes Project 0.64756; 1000 Genomes Project 30x 0.65537; TOPMed 0.70620; gnomAD 0.70725 and 0.72076.
gnomAD v4.1: 516,823 of 794,988 alleles (65%); highest among the groups gnomAD compares: African/African-American, 87%; 172,426 homozygotes.

Submissions (3):

Unidad de Genómica Garrahan, Hospital de Pediatría Garrahan
Classification: Benign. Last evaluated: 2024-01-24. Review status: criteria provided, single submitter. Criteria: ACMG Guidelines, 2015. Collection method: clinical testing. Allele origin: germline. Affected: no. Observed: 25 variant alleles.
Comment: This variant is classified as Benign based on local population frequency. This variant was detected in 26% of patients studied by a panel of primary immunodeficiencies. Number of patients: 25. Only high quality variants are reported.

GeneDx
Classification: Benign. Last evaluated: 2015-03-03. Review status: criteria provided, single submitter. Criteria: GeneDx Variant Classification Process June 2021. Collection method: clinical testing. Allele origin: germline. Affected: yes.

Breakthrough Genomics
Classification: Benign. Review status: criteria provided, single submitter. Criteria: ACMG Guidelines, 2015. Collection method: not provided. Allele origin: germline. Inheritance: Autosomal recessive inheritance. Affected: yes.